The following is an entry in ClinVar:

ClinVar aggregate classification (germline): Likely pathogenic. Review status: criteria provided, multiple submitters, no conflicts (2 of 4 stars). 2 submissions from 2 submitters: Likely pathogenic (2). Last evaluated 2024-07-18.

Submissions (2):

ARUP Laboratories, Molecular Genetics and Genomics, ARUP Laboratories
Classification: Likely pathogenic. Last evaluated: 2024-07-18. Review status: criteria provided, single submitter. Criteria: ARUP Molecular Germline Variant Investigation Process 2024. Collection method: clinical testing. Allele origin: germline.
Comment: The PKLR c.1483G>A; p.Ala495Thr variant (ClinVar Variation ID 2432673) is reported in the literature in the compound heterozygous state in multiple individuals affected with PK deficiency (Baronciani 1998, Kugler 2000, Zanella 2007). This variant is absent from the Genome Aggregation Database (v2.1.1), indicating it is not a common polymorphism. Additionally, another variant at this codon (c.1484C>T (p.Ala495Val)) has been reported in individuals with PK deficiency and is considered to be causative (Baronciani 1993, Percy 2007, Voit 2020). Computational analyses predict that this variant is deleterious (REVEL: 0.877). Based on available information, this variant is considered to be likely pathogenic. References: Baronciani L et al. Analysis of pyruvate kinase-deficiency mutations that produce nonspherocytic hemolytic anemia. Proc Natl Acad Sci U S A. 1993 May 1. PMID: 8483951. Baronciani L et al. Hematologically important mutations: red cell pyruvate kinase (2nd update). Blood Cells Mol Dis. 1998 Sep. PMID: 10087985. Kugler W et al. Eight novel mutations and consequences on mRNA and protein level in pyruvate kinase-deficient patients with nonspherocytic hemolytic anemia. Hum Mutat. 2000 PMID: 10679942. Percy MJ et al. Pyruvate kinase deficient hemolytic anemia in the Northern Irish population. Blood Cells Mol Dis. 2007 Sep-Oct. PMID: 17574881. Voit RA et al. Pyruvate kinase deficiency in a newborn with extramedullary hematopoiesis in the skin. Blood. 2020 Aug 6. PMID: 32761227. Zanella A et al. Pyruvate kinase deficiency: the genotype-phenotype association. Blood Rev. 2007 Jul. PMID: 17360088.

Revvity Omics, Revvity
Classification: Likely pathogenic. Last evaluated: 2022-01-14. Review status: criteria provided, single submitter. Criteria: ACMG Guidelines, 2015. Collection method: clinical testing. Allele origin: germline.

NM_000298.6(PKLR):c.1483G>A (p.Ala495Thr)

Gene: PKLR (pyruvate kinase L/R; minus strand). Cytogenetic location: 1q22.
Variant type: single nucleotide variant.
Coding change: c.1483G>A on transcript NM_000298.6 (MANE Select); coding-DNA position 1483, G replaced by A.
Protein change: p.Ala495Thr; replaces alanine 495 with threonine.
Molecular consequence: missense variant.
Genome position (GRCh38, 1-based): chr1:155,291,891, C>T on the plus strand (G>A on the coding strand, the complement: PKLR is on the minus strand). VCF-style: chr1-155291891-C-T. GRCh37 (hg19) VCF-style: chr1-155261682-C-T.
Other names: c.1390G>A, p.Ala464Thr (NM_181871.4); short protein forms A464T, A495T.
Identifiers: ClinVar variation 2432673 (VCV002432673.4), dbSNP rs2525270500, ClinGen allele CA342751255.